The following is an entry in ClinVar:

NM_015450.3(POT1):c.308C>G (p.Ser103Cys)

Gene: POT1 (protection of telomeres 1; minus strand). Cytogenetic location: 7q31.33.
Variant type: single nucleotide variant.
Coding change: c.308C>G on transcript NM_015450.3 (MANE Select); coding-DNA position 308, C replaced by G.
Protein change: p.Ser103Cys; replaces serine 103 with cysteine.
Molecular consequence: missense variant. On other transcripts: 5 prime UTR variant (1), non-coding transcript variant (3).
Genome position (GRCh38, 1-based): chr7:124,863,588, G>C on the plus strand (C>G on the coding strand, the complement: POT1 is on the minus strand). VCF-style: chr7-124863588-G-C. GRCh37 (hg19) VCF-style: chr7-124503642-G-C.
Other names: c.-86C>G (NM_001042594.2); short protein forms S103C.
Identifiers: ClinVar variation 1727433 (VCV001727433.2), dbSNP rs2116542498, ClinGen allele CA369060262.

ClinVar aggregate classification (germline): Uncertain significance (1 of 4 stars; one submission).

Conditions:
Hereditary cancer-predisposing syndrome. Also called: Tumor predisposition; Neoplastic Syndromes, Hereditary; Hereditary Cancer Syndrome; Hereditary neoplastic syndrome. Identifiers: Orphanet 140162, MedGen C0027672, MeSH D009386, MONDO:0015356.

Submission:

Ambry Genetics
Classification: Uncertain significance for Hereditary cancer-predisposing syndrome. Last evaluated: 2022-03-06. Review status: criteria provided, single submitter. Criteria: Ambry Variant Classification Scheme 2023. Collection method: clinical testing. Allele origin: germline.
Comment: The p.S103C variant (also known as c.308C>G), located in coding exon 4 of the POT1 gene, results from a C to G substitution at nucleotide position 308. The serine at codon 103 is replaced by cysteine, an amino acid with dissimilar properties. This amino acid position is conserved. In addition, the in silico prediction for this alteration is inconclusive. Since supporting evidence is limited at this time, the clinical significance of this alteration remains unclear.